The following is an entry in ClinVar:

ClinVar aggregate classification (germline): Uncertain significance (1 of 4 stars; one submission).

Conditions:
Inborn genetic diseases. Identifiers: MedGen C0950123, MeSH D030342.

Submission:

Ambry Genetics
Classification: Uncertain significance for Inborn genetic diseases. Last evaluated: 2018-09-29. Review status: criteria provided, single submitter. Criteria: Ambry Variant Classification Scheme 2023. Collection method: clinical testing. Allele origin: germline.
Comment: The p.D195E variant (also known as c.585C>G), located in coding exon 7 of the ATP13A2 gene, results from a C to G substitution at nucleotide position 585. The aspartic acid at codon 195 is replaced by glutamic acid, an amino acid with highly similar properties. This amino acid position is not well conserved in available vertebrate species. In addition, this alteration is predicted to be tolerated by in silico analysis. Since supporting evidence is limited at this time, the clinical significance of this alteration remains unclear.

NM_022089.4(ATP13A2):c.585C>G (p.Asp195Glu)

Gene: ATP13A2 (ATPase cation transporting 13A2; minus strand). Cytogenetic location: 1p36.13.
Variant type: single nucleotide variant.
Coding change: c.585C>G on transcript NM_022089.4 (MANE Select); coding-DNA position 585, C replaced by G.
Protein change: p.Asp195Glu; replaces aspartic acid 195 with glutamic acid.
Molecular consequence: missense variant.
Genome position (GRCh38, 1-based): chr1:17,002,346, G>C on the plus strand (C>G on the coding strand, the complement: ATP13A2 is on the minus strand). VCF-style: chr1-17002346-G-C. GRCh37 (hg19) VCF-style: chr1-17328841-G-C.
Other names: c.570C>G, p.Asp190Glu (NM_001141973.3, NM_001141974.3); short protein forms D195E, D190E.
Identifiers: ClinVar variation 1750116 (VCV001750116.2), dbSNP rs765706877, ClinGen allele CA338260429.